The following is an entry in ClinVar:

ClinVar aggregate classification (germline): Pathogenic. Review status: criteria provided, multiple submitters, no conflicts (2 of 4 stars). 10 submissions from 10 submitters: Pathogenic (8). 2 of the submissions do not count toward it. Last evaluated 2025-08-13.
ClinVar aggregate classification (oncogenicity): Likely oncogenic (1 of 4 stars; one submission).

Conditions:
TGFBR2-related disorder. Also called: TGFBR2-related condition.
Cardiovascular phenotype. Identifiers: MedGen CN230736.
Loeys-Dietz syndrome (LDS). Identifiers: Orphanet 60030, MedGen C2697932, MONDO:0018954.
Familial thoracic aortic aneurysm and aortic dissection (TAAD). Also called: Thoracic aortic aneurysms and dissections. Identifiers: Orphanet 91387, MedGen C4707243, MONDO:0019625.
Loeys-Dietz syndrome 2 (LDS2). Also called: TGFBR2-Related Loeys-Dietz Syndrome; Marfan Syndrome type 2; Marfan like connective tissue disorder; MFS 2; Marfan syndrome, type 2 (formerly); AORTIC ANEURYSM, FAMILIAL THORACIC 3. Identifiers: Orphanet 284973, Orphanet 558, MedGen C2674574, MONDO:0012427, OMIM 610168.
Neoplasm. Also called: Neoplasms; Neoplasm (disease); tumor. Identifiers: MedGen C0027651, MeSH D009369, MONDO:0005070, HP:0002664.

Submissions (11):

Labcorp Genetics (formerly Invitae), Labcorp
Classification: Pathogenic for Familial thoracic aortic aneurysm and aortic dissection. Last evaluated: 2025-08-13. Review status: criteria provided, single submitter. Criteria: Invitae Variant Classification Sherloc (09022015). Collection method: clinical testing. Allele origin: germline.
Comment: This sequence change replaces arginine, which is basic and polar, with cysteine, which is neutral and slightly polar, at codon 528 of the TGFBR2 protein (p.Arg528Cys). This variant is not present in population databases (gnomAD no frequency). This missense change has been observed in individual(s) with Loeys–Dietz syndrome (PMID: 15731757, 18781618, 19875893, 20144264). In at least one individual the variant was observed to be de novo. ClinVar contains an entry for this variant (Variation ID: 12512). Invitae Evidence Modeling incorporating data from in vitro experimental studies (internal data) indicates that this missense variant is expected to disrupt TGFBR2 function with a positive predictive value of 95%. Experimental studies have shown that this missense change affects TGFBR2 function (PMID: 21098638). This variant disrupts the p.Arg528 amino acid residue in TGFBR2. Other variant(s) that disrupt this residue have been determined to be pathogenic (PMID: 15731757, 18781618, 21098638, 23103230). This suggests that this residue is clinically significant, and that variants that disrupt this residue are likely to be disease-causing. For these reasons, this variant has been classified as Pathogenic.

Molecular Diagnostic Laboratory for Inherited Cardiovascular Disease, Montreal Heart Institute
Classification: Pathogenic for Cardiovascular phenotype. Last evaluated: 2025-07-02. Review status: criteria provided, single submitter. Criteria: ACMG Guidelines, 2015. Collection method: clinical testing. Allele origin: germline. Affected: yes.
Comment: PS2, PS4, PS3_mod, PM1, PM2, PM5, PP2, PP3

Center for Genomic Medicine, Rigshospitalet, Copenhagen University Hospital
Classification: Likely oncogenic for Neoplasm. Last evaluated: 2025-03-04. Review status: criteria provided, single submitter. Criteria: ClinGen/CGC/VICC Guidelines for Oncogenicity, 2022. Collection method: clinical testing. Allele origin: somatic. Affected: yes.

Blueprint Genetics
Classification: Pathogenic for TGFBR2-related disorders. Last evaluated: 2023-11-16. Review status: criteria provided, single submitter. Criteria: ACMG Guidelines, 2015. Collection method: clinical testing. Allele origin: germline. Affected: yes. Observed: 3 variant alleles.

GeneDx
Classification: Pathogenic. Last evaluated: 2022-12-09. Review status: criteria provided, single submitter. Criteria: GeneDx Variant Classification Process June 2021. Collection method: clinical testing. Allele origin: germline. Affected: yes.
Comment: Not observed at significant frequency in large population cohorts (gnomAD); In silico analysis supports that this missense variant has a deleterious effect on protein structure/function; Published functional studies demonstrate that this variant results in decreased protein expression and has a dominant-negative effect on TGF-beta induced Smad and ERK signalling (Horbelt et al., 2010); This variant is associated with the following publications: (PMID: 16928994, 23884466, 15731757, 19875893, 18781618, 20144264, 22734312, 34456093, 27535533, 21098638, 17330129, 32352226, 33436942, 31447099)

Baylor Genetics
Classification: Pathogenic for Loeys-Dietz syndrome 2. Last evaluated: 2019-09-26. Review status: criteria provided, single submitter. Criteria: ACMG Guidelines, 2015. Collection method: clinical testing. Allele origin: de novo. Affected: yes.
Comment: This variant was determined to be pathogenic according to ACMG Guidelines, 2015 [PMID:25741868].

Laboratory for Molecular Medicine, Mass General Brigham Personalized Medicine
Classification: Pathogenic for Loeys-Dietz syndrome. Last evaluated: 2018-02-09. Review status: criteria provided, single submitter. Criteria: LMM Criteria. Collection method: clinical testing. Allele origin: germline. Inheritance: Autosomal dominant inheritance. Observed: 1 variant allele.
Comment: The p.Arg528Cys variant in TGFBR2 has been reported in >5 individuals with Loeys -Dietz syndrome, and occurred de novo in at least 3 of these individuals (Loeys 2005, LeMaire 2007, Stheneur 2008, Frischmeyer-Guerrerio 2013). Additionally, it has also been reported by other clinical laboratories in ClinVar (Variation ID 12512). It was absent from large population studies. In vitro functional studies provide evidence that the p.Arg528Cys variant may impact protein function (Horb elt 2010) and computational prediction tools and conservation analysis suggest t hat the p.Arg528Cys variant may impact the protein. Furthermore, a different pat hogenic variant (p.Arg528His) has been reported in several individuals with Loey s-Dietz syndrome at the same position, supporting this change may not be tolerat ed. In summary, this variant meets criteria to be classified as pathogenic for L oeys-Dietz syndrome in an autosomal dominant manner based upon multiple de novo occurrences, absence from controls, functional and computational evidence and pr esence of another pathogenic variant at the same amino acid position. ACMG/AMP C riteria applied (Richards 2015): PM6_Strong, PM2, PM5, PP3, PS3_Supporting.

Ambry Genetics
Classification: Pathogenic for Familial thoracic aortic aneurysm and aortic dissection. Last evaluated: 2016-04-04. Review status: criteria provided, single submitter. Criteria: Ambry Variant Classification Scheme 2023. Collection method: clinical testing. Allele origin: germline.
Comment: The p.R528C pathogenic mutation (also known as c.1582C>T), located in coding exon 7 of the TGFBR2 gene, results from a C to T substitution at nucleotide position 1582. The arginine at codon 528 is replaced by cysteine, an amino acid with highly dissimilar properties, and is located in the protein kinase domain. This alteration has been described in several patients with Loeys-Dietz syndrome, and in some cases, the occurrence was reported to be de novo (Loeys BL et al. Nat. Genet. 2005;37(3):275-81). In a study utilizing functional in vitro analyses, this alteration has demonstrated reduced protein expression and TGF&beta; signaling resulting from a dominant-negative effect (Horbelt D et al. J Cell Sci. 2010;123(Pt 24):4340-50). Based on the available evidence, p.R528C is classified as a pathogenic mutation.

Juno Genomics, Hangzhou Juno Genomics, Inc
Classification: Pathogenic for Loeys-Dietz syndrome 2. Review status: criteria provided, single submitter. Criteria: ACMG Guidelines, 2015. Collection method: clinical testing. Allele origin: germline. Affected: yes.
Comment: Absent from controls (or at extremely low frequency if recessive) in Genome Aggregation Database, Exome Sequencing Project, 1000 Genomes Project, or Exome Aggregation Consortium.;Well-established in vitro or in vivo functional studies supportive of a damaging effect on the gene or gene product.;The prevalence of the variant in affected individuals is significantly increased compared to the prevalence in controls.;Patient's phenotype or family history is highly specific for a disease with a single genetic etiology.;Assumed de novo, but without confirmation of paternity and maternity.;Novel missense change at an amino acid residue where a different missense change determined to be pathogenic has been seen before.

PreventionGenetics, part of Exact Sciences
Classification: Pathogenic for TGFBR2-related condition. Last evaluated: 2024-01-22. Review status: no assertion criteria provided. Collection method: clinical testing. Allele origin: germline. Not counted in ClinVar's aggregate classification.
Comment: The TGFBR2 c.1582C>T variant is predicted to result in the amino acid substitution p.Arg528Cys. This variant was detected in multiple individuals with Loeys-Dietz syndrome, including at least 2 de novo occurrences (Loeys et al. 2005. PubMed ID: 15731757, Frischmeyer-Guerrerio et al. 2013. PubMed ID: 23884466, Horbelt et al. 2010. PubMed ID: 21098638, LeMaire et al. 2007. PubMed ID: 17330129; Stheneur et al. 2008. PubMed ID: 18781618, Mariucci et al. 2020. PubMed ID: 32352226). Functional studies suggest this variant affects protein function (Horbelt et al. 2010. PubMed ID: 21098638). Different missense variants affecting this amino acid have been reported in patient with Loeys-Dietz syndrome (p.Arg528His, p.Arg528Pro, Loeys et al. 2005. PubMed ID: 15731757, Almpani et al. 2022. PubMed ID: 34916229, Carmignac et al. 2012. PubMed ID: 23103230, Akazawa et al. 2015. PubMed ID: 26096872). The c.1582C>T variant has not been reported in a large population database, indicating this variant is rare. This variant is interpreted as pathogenic.

OMIM
Classification: Pathogenic for LOEYS-DIETZ SYNDROME 2. Last evaluated: 2005-03-01. Review status: no assertion criteria provided. Collection method: literature only. Allele origin: germline. Not counted in ClinVar's aggregate classification.

Literature cited by the submitters: PubMed 15731757 (cited by 4 submitters); PubMed 18781618 (cited by 3 submitters); PubMed 19875893 (cited by Labcorp Genetics (formerly Invitae), Labcorp and Ambry Genetics); PubMed 20144264 (cited by Labcorp Genetics (formerly Invitae), Labcorp and Ambry Genetics); PubMed 21098638 (cited by 4 submitters); PubMed 23103230 (cited by Labcorp Genetics (formerly Invitae), Labcorp); PubMed 23884466 (cited by Laboratory for Molecular Medicine, Mass General Brigham Personalized Medicine); PubMed 17330129 (cited by Laboratory for Molecular Medicine, Mass General Brigham Personalized Medicine and Ambry Genetics); PubMed 16928994 (cited by Ambry Genetics).

NM_003242.6(TGFBR2):c.1582C>T (p.Arg528Cys)

Gene: TGFBR2 (transforming growth factor beta receptor 2; plus strand). Cytogenetic location: 3p24.1.
Variant type: single nucleotide variant.
Coding change: c.1582C>T on transcript NM_003242.6 (MANE Select); coding-DNA position 1582, C replaced by T.
Protein change: p.Arg528Cys; replaces arginine 528 with cysteine.
Molecular consequence: missense variant.
Genome position (GRCh38, 1-based): chr3:30,691,477, C>T. VCF-style: chr3-30691477-C-T. GRCh37 (hg19) VCF-style: chr3-30732969-C-T.
Other names: p.R528C:CGT>TGT; c.1657C>T, p.Arg553Cys (NM_001024847.3); c.1765C>T, p.Arg589Cys (NM_001407126.1); c.1690C>T, p.Arg564Cys (NM_001407127.1); c.1609C>T, p.Arg537Cys (NM_001407128.1); c.1585C>T, p.Arg529Cys (NM_001407129.1); c.1579C>T, p.Arg527Cys (NM_001407130.1); c.1477C>T, p.Arg493Cys (NM_001407132.1, NM_001407133.1, NM_001407134.1 and 2 more transcripts); and 3 more; short protein forms R528C, R553C, R493C, R527C, R537C, R529C, R238C, R433C.
Identifiers: ClinVar variation 12512 (VCV000012512.27), dbSNP rs104893810, ClinGen allele CA020726.
Genomic context (GRCh38, chr3:30,691,477, plus strand): 5'-CAGGGCATCCAGATGGTGTGTGAGACGTTGACTGAGTGCTGGGACCACGACCCAGAGGCC[C>T]GTCTCACAGCCCAGTGTGTGGCAGAACGCTTCAGTGAGCTGGAGCATCTGGACAGGCTCT-3'
Protein context (NP_003233.4, residues 518-538): TECWDHDPEA[Arg528Cys]LTAQCVAERF